The following is an entry in ClinVar:

ClinVar aggregate classification (germline): Uncertain significance. Review status: criteria provided, multiple submitters, no conflicts (2 of 4 stars). 2 submissions from 2 submitters: Uncertain significance (2). Last evaluated 2025-05-15.

Conditions:
Inborn genetic diseases. Identifiers: MedGen C0950123, MeSH D030342.

Submissions (2):

GeneDx
Classification: Uncertain significance. Last evaluated: 2025-05-15. Review status: criteria provided, single submitter. Criteria: GeneDx Variant Classification Process June 2021. Collection method: clinical testing. Allele origin: germline. Affected: yes.
Comment: Not observed at significant frequency in large population cohorts (gnomAD); In silico analysis suggests that this missense variant does not alter protein structure/function; Has not been previously published as pathogenic or benign to our knowledge

Ambry Genetics
Classification: Uncertain significance for Inborn genetic diseases. Last evaluated: 2024-11-13. Review status: criteria provided, single submitter. Criteria: Ambry Variant Classification Scheme 2023. Collection method: clinical testing. Allele origin: germline.

NM_005883.3(APC2):c.4316T>C (p.Met1439Thr)

Gene: APC2 (APC regulator of Wnt signaling pathway 2; plus strand). Cytogenetic location: 19p13.3.
Variant type: single nucleotide variant.
Coding change: c.4316T>C on transcript NM_005883.3 (MANE Select); coding-DNA position 4316, T replaced by C.
Protein change: p.Met1439Thr; replaces methionine 1439 with threonine.
Molecular consequence: missense variant.
Genome position (GRCh38, 1-based): chr19:1,467,617, T>C. VCF-style: chr19-1467617-T-C. GRCh37 (hg19) VCF-style: chr19-1467616-T-C.
Other names: c.4313T>C, p.Met1438Thr (NM_001351273.1); short protein forms M1438T, M1439T.
Identifiers: ClinVar variation 3413019 (VCV003413019.2).